The following is an entry in ClinVar:

NM_032188.3(KAT8):c.1085G>A (p.Arg362His)

Gene: KAT8 (lysine acetyltransferase 8; plus strand). Cytogenetic location: 16p11.2.
Variant type: single nucleotide variant.
Coding change: c.1085G>A on transcript NM_032188.3 (MANE Select); coding-DNA position 1085, G replaced by A.
Protein change: p.Arg362His; replaces arginine 362 with histidine.
Molecular consequence: missense variant.
Genome position (GRCh38, 1-based): chr16:31,130,534, G>A. VCF-style: chr16-31130534-G-A. GRCh37 (hg19) VCF-style: chr16-31141855-G-A.
Other names: c.1085G>A, p.Arg362His (NM_182958.4); short protein forms R362H.
Identifiers: ClinVar variation 1405742 (VCV001405742.8), dbSNP rs2143996336, ClinGen allele CA395678315.

ClinVar aggregate classification (germline): Uncertain significance (1 of 4 stars; one submission).

Submission:

Labcorp Genetics (formerly Invitae), Labcorp
Classification: Uncertain significance. Last evaluated: 2021-07-15. Review status: criteria provided, single submitter. Criteria: Invitae Variant Classification Sherloc (09022015). Collection method: clinical testing. Allele origin: germline.
Comment: In summary, the available evidence is currently insufficient to determine the role of this variant in disease. Therefore, it has been classified as a Variant of Uncertain Significance. Algorithms developed to predict the effect of missense changes on protein structure and function are either unavailable or do not agree on the potential impact of this missense change (SIFT: "Deleterious"; PolyPhen-2: "Possibly Damaging"; Align-GVGD: "Class C0"). This sequence change replaces arginine with histidine at codon 362 of the KAT8 protein (p.Arg362His). The arginine residue is highly conserved and there is a small physicochemical difference between arginine and histidine. This variant is not present in population databases (ExAC no frequency). This variant has not been reported in the literature in individuals affected with KAT8-related conditions.